The following is an entry in ClinVar:

ClinVar aggregate classification (germline): Uncertain significance (1 of 4 stars; one submission).

Conditions:
Saldino-Mainzer syndrome (SRTD9). Also called: CONORENAL SYNDROME; Renal dysplasia, retinal pigmentary dystrophy, cerebellar ataxia and skeletal dysplasia; short-rib thoracic dysplasia 9 with or without polydactyly; SHORT-RIB THORACIC DYSPLASIA 9 WITHOUT POLYDACTYLY. Identifiers: Orphanet 140969, MedGen C1849437, MONDO:0009964, OMIM 266920.

Allele frequency attached by ClinVar (database versions not stated): ExAC 0.00002; gnomAD 0.00003 and 0.00004; gnomAD exomes 0.00004 and 0.00013; TOPMed 0.00005.
gnomAD v4.1: 184 of 1,614,018 alleles (0.011%); highest among the groups gnomAD compares: Non-Finnish European, 0.015%; no homozygotes.

Submission:

Labcorp Genetics (formerly Invitae), Labcorp
Classification: Uncertain significance for Saldino-Mainzer syndrome. Last evaluated: 2022-10-13. Review status: criteria provided, single submitter. Criteria: Invitae Variant Classification Sherloc (09022015). Collection method: clinical testing. Allele origin: germline.
Comment: This sequence change replaces methionine, which is neutral and non-polar, with valine, which is neutral and non-polar, at codon 210 of the IFT140 protein (p.Met210Val). This variant is present in population databases (rs749432087, gnomAD 0.007%). This variant has not been reported in the literature in individuals affected with IFT140-related conditions. ClinVar contains an entry for this variant (Variation ID: 1037101). Advanced modeling of protein sequence and biophysical properties (such as structural, functional, and spatial information, amino acid conservation, physicochemical variation, residue mobility, and thermodynamic stability) performed at Invitae indicates that this missense variant is not expected to disrupt IFT140 protein function. In summary, the available evidence is currently insufficient to determine the role of this variant in disease. Therefore, it has been classified as a Variant of Uncertain Significance.

NM_014714.4(IFT140):c.628A>G (p.Met210Val)

Genes: IFT140 (intraflagellar transport 140; minus strand), LOC105371046 (uncharacterized LOC105371046; plus strand). Cytogenetic location: 16p13.3.
Variant type: single nucleotide variant.
Coding change: c.628A>G on transcript NM_014714.4 (MANE Select); coding-DNA position 628, A replaced by G.
Protein change: p.Met210Val; replaces methionine 210 with valine.
Molecular consequence: missense variant.
Genome position (GRCh38, 1-based): chr16:1,592,182, T>C on the plus strand (A>G on the coding strand, the complement: IFT140 is on the minus strand). VCF-style: chr16-1592182-T-C. GRCh37 (hg19) VCF-style: chr16-1642183-T-C.
Other names: short protein forms M210V.
Identifiers: ClinVar variation 1037101 (VCV001037101.6), dbSNP rs749432087, ClinGen allele CA7814642.
Genomic context (GRCh38, chr16:1,592,182, plus strand): 5'-CCAGACACCCCTAAAATGCTAGGACCCCTGAGAATCACAACCAAAGTTCCTCACCGTCCA[T>C]CAGACTGACAAAGAACAACAGCCCCTCGTGAGACCCCATCTTCAGCAAACTTCCAGAACT-3'
Protein context (NP_055529.2, residues 200-220): HEGLLFFVSL[Met210Val]DGTVHYVDEK